The following is an entry in ClinVar:

NM_015346.4(ZFYVE26):c.6600delinsTG (p.Glu2201fs)

Gene: ZFYVE26 (zinc finger FYVE-type containing 26; minus strand). Cytogenetic location: 14q24.1.
Variant type: Indel.
Coding change: c.6600delinsTG on transcript NM_015346.4 (MANE Select); coding-DNA position 6600, A replaced by TG.
Protein change: p.Glu2201fs; shifts the reading frame from glutamic acid 2201.
Molecular consequence: frameshift variant.
Genome position (GRCh38, 1-based): chr14:67,756,134, T replaced by CA on the plus strand (A replaced by TG on the coding strand, the reverse complement: ZFYVE26 is on the minus strand). VCF-style: chr14-67756134-T-CA. GRCh37 (hg19) VCF-style: chr14-68222851-T-CA.
Other names: short protein forms E2201fs.
Identifiers: ClinVar variation 1724358 (VCV001724358.2), dbSNP rs2503945043, ClinGen allele CA2580088665.

ClinVar aggregate classification (germline): Likely pathogenic (1 of 4 stars; one submission).

Conditions:
Hereditary spastic paraplegia 15 (SPG15). Also called: SPASTIC PARAPLEGIA 15, AUTOSOMAL RECESSIVE; KJELLIN SYNDROME; SPASTIC PARAPLEGIA AND RETINAL DEGENERATION. Identifiers: Orphanet 100996, MedGen C1849128, MONDO:0010044, OMIM 270700.

Submission:

Myriad Genetics, Inc.
Classification: Likely pathogenic for Hereditary spastic paraplegia 15. Last evaluated: 2022-02-09. Review status: criteria provided, single submitter. Criteria: Myriad Women's Health Autosomal Recessive and X-Linked Classification Criteria (2021). Collection method: clinical testing. Allele origin: unknown.
Comment: NM_015346.3(ZFYVE26):c.6600delAinsTG(E2201Gfs*13) is expected to be pathogenic in the context of spastic paraplegia type 15. This variant is predicted to lead to an abnormal or absent protein product due to the creation of a premature termination codon in ZFYVE26, a gene where loss-of-function variants are known to be pathogenic. Please note: this variant was assessed in the context of healthy population screening.